The following is an entry in ClinVar:

NM_016816.4(OAS1):c.480T>A (p.Thr160=)

Gene: OAS1 (2'-5'-oligoadenylate synthetase 1; plus strand). Cytogenetic location: 12q24.13.
Variant type: single nucleotide variant.
Coding change: c.480T>A on transcript NM_016816.4 (MANE Select); coding-DNA position 480, T replaced by A.
Protein change: p.Thr160=; no amino-acid change (threonine 160 retained).
Molecular consequence: synonymous variant.
Genome position (GRCh38, 1-based): chr12:112,911,061, T>A. VCF-style: chr12-112911061-T-A. GRCh37 (hg19) VCF-style: chr12-113348866-T-A.
Other names: c.480T>A, p.Thr160= (NM_001032409.3, NM_001320151.2, NM_002534.4).
Identifiers: ClinVar variation 1591948 (VCV001591948.17), dbSNP rs369417393, ClinGen allele CA6799798.
Genomic context (GRCh38, chr12:112,911,061, plus strand): 5'-GGAAATTCAGAGAAGAGCTGACACCTAAGTTGTAGATTTTGCCCGAACAGGTCAGTTGAC[T>A]GGCGGCTATAAACCTAACCCCCAAATCTATGTCAAGCTCATCGAGGAGTGCACCGACCTG-3'
Protein context (NP_058132.2, residues 150-170): LPAFDALGQL[Thr160=]GGYKPNPQIY

ClinVar aggregate classification (germline): Likely benign. Review status: criteria provided, multiple submitters, no conflicts (2 of 4 stars). 3 submissions from 3 submitters: Likely benign (3). Last evaluated 2026-01-12.

Allele frequency attached by ClinVar (database versions not stated): ESP Exome Variant Server 0.00008; gnomAD exomes 0.00017 and 0.00018; TOPMed 0.00013; gnomAD 0.00023 and 0.00025; ExAC 0.00024.
gnomAD v4.1: 283 of 1,613,492 alleles (0.018%); highest among the groups gnomAD compares: Non-Finnish European, 0.022%; no homozygotes.

Submissions (3):

Labcorp Genetics (formerly Invitae), Labcorp
Classification: Likely benign. Last evaluated: 2026-01-12. Review status: criteria provided, single submitter. Criteria: Invitae Variant Classification Sherloc (09022015). Collection method: clinical testing. Allele origin: germline.

CeGaT Center for Human Genetics Tuebingen
Classification: Likely benign. Last evaluated: 2025-07-01. Review status: criteria provided, single submitter. Criteria: CeGaT Center For Human Genetics Tuebingen Variant Classification Criteria Version 2. Collection method: clinical testing. Allele origin: germline. Affected: yes. Observed: 1 variant allele.
Comment: OAS1: BP4, BP7

Blueprint Genetics
Classification: Likely benign. Last evaluated: 2024-10-14. Review status: criteria provided, single submitter. Criteria: ACMG Guidelines, 2015. Collection method: clinical testing. Allele origin: germline.